The following is an entry in ClinVar:

NM_017534.6(MYH2):c.3G>A (p.Met1Ile)

Genes: MYH2 (myosin heavy chain 2; minus strand), MYHAS (myosin heavy chain gene cluster antisense RNA; plus strand). Cytogenetic location: 17p13.1.
Variant type: single nucleotide variant.
Coding change: c.3G>A on transcript NM_017534.6 (MANE Select); coding-DNA position 3, G replaced by A.
Protein change: p.Met1Ile; changes the start codon (methionine 1).
Molecular consequence: missense variant, initiator codon variant.
Genome position (GRCh38, 1-based): chr17:10,547,918, C>T on the plus strand (G>A on the coding strand, the complement: MYH2 is on the minus strand). VCF-style: chr17-10547918-C-T. GRCh37 (hg19) VCF-style: chr17-10451235-C-T.
Other names: c.3G>A, p.Met1Ile (NM_001100112.2); short protein forms M1I.
Identifiers: ClinVar variation 3648223 (VCV003648223.2).

ClinVar aggregate classification (germline): Uncertain significance (1 of 4 stars; one submission).

Conditions:
Myopathy, proximal, and ophthalmoplegia (CMYO6). Also called: MYOPATHY WITH CONGENITAL JOINT CONTRACTURES, OPHTHALMOPLEGIA, AND RIMMED VACUOLES; INCLUSION BODY MYOPATHY 3, AUTOSOMAL DOMINANT; CONGENITAL MYOPATHY 6 WITH OPHTHALMOPLEGIA. Identifiers: Orphanet 363677, Orphanet 79091, MedGen C1854106, MONDO:0011577, OMIM 605637.

Submission:

Labcorp Genetics (formerly Invitae), Labcorp
Classification: Uncertain significance for Myopathy, proximal, and ophthalmoplegia. Last evaluated: 2024-04-08. Review status: criteria provided, single submitter. Criteria: Invitae Variant Classification Sherloc (09022015). Collection method: clinical testing. Allele origin: germline.
Comment: This sequence change affects the initiator methionine of the MYH2 mRNA. The next in-frame methionine is located at codon 80. This variant is not present in population databases (gnomAD no frequency). This variant has not been reported in the literature in individuals affected with MYH2-related conditions. Experimental studies and prediction algorithms are not available or were not evaluated, and the functional significance of this variant is currently unknown. In summary, the available evidence is currently insufficient to determine the role of this variant in disease. Therefore, it has been classified as a Variant of Uncertain Significance.